The following is an entry in ClinVar:

ClinVar aggregate classification (germline): Uncertain significance. Review status: criteria provided, multiple submitters, no conflicts (2 of 4 stars). 3 submissions from 3 submitters: Uncertain significance (3). Last evaluated 2026-01-18.

Conditions:
Hereditary cancer-predisposing syndrome. Also called: Neoplastic Syndromes, Hereditary; Tumor predisposition; Hereditary Cancer Syndrome; Hereditary neoplastic syndrome. Identifiers: Orphanet 140162, MedGen C0027672, MeSH D009386, MONDO:0015356.
Cardiovascular phenotype. Identifiers: MedGen CN230736.

gnomAD v4.1: 9 of 1,612,834 alleles (0.00056%); highest among the groups gnomAD compares: East Asian, 0.018%; no homozygotes.

Submissions (3):

Labcorp Genetics (formerly Invitae), Labcorp
Classification: Uncertain significance. Last evaluated: 2026-01-18. Review status: criteria provided, single submitter. Criteria: Invitae Variant Classification Sherloc (09022015). Collection method: clinical testing. Allele origin: germline.
Comment: This sequence change replaces proline, which is neutral and non-polar, with glutamine, which is neutral and polar, at codon 635 of the LZTR1 protein (p.Pro635Gln). This variant is present in population databases (rs148677674, gnomAD 0.03%). This variant has not been reported in the literature in individuals affected with LZTR1-related conditions. ClinVar contains an entry for this variant (Variation ID: 1782356). Invitae Evidence Modeling of protein sequence and biophysical properties (such as structural, functional, and spatial information, amino acid conservation, physicochemical variation, residue mobility, and thermodynamic stability) indicates that this missense variant is not expected to disrupt LZTR1 protein function with a negative predictive value of 80%. In summary, the available evidence is currently insufficient to determine the role of this variant in disease. Therefore, it has been classified as a Variant of Uncertain Significance.

GeneDx
Classification: Uncertain significance. Last evaluated: 2022-10-24. Review status: criteria provided, single submitter. Criteria: GeneDx Variant Classification Process June 2021. Collection method: clinical testing. Allele origin: germline. Affected: yes.
Comment: In silico analysis supports that this missense variant has a deleterious effect on protein structure/function; Has not been previously published as pathogenic or benign to our knowledge

Ambry Genetics
Classification: Uncertain significance for Cardiovascular phenotype; Hereditary cancer-predisposing syndrome. Last evaluated: 2022-02-12. Review status: criteria provided, single submitter. Criteria: Ambry Variant Classification Scheme 2023. Collection method: clinical testing. Allele origin: germline.
Comment: The p.P635Q variant (also known as c.1904C>A), located in coding exon 16 of the LZTR1 gene, results from a C to A substitution at nucleotide position 1904. The proline at codon 635 is replaced by glutamine, an amino acid with similar properties. This amino acid position is conserved. In addition, this alteration is predicted to be tolerated by in silico analysis. Since supporting evidence is limited at this time, the clinical significance of this alteration remains unclear.

NM_006767.4(LZTR1):c.1904C>A (p.Pro635Gln)

Gene: LZTR1 (leucine zipper like post translational regulator 1; plus strand). Cytogenetic location: 22q11.21.
Variant type: single nucleotide variant.
Coding change: c.1904C>A on transcript NM_006767.4 (MANE Select); coding-DNA position 1904, C replaced by A.
Protein change: p.Pro635Gln; replaces proline 635 with glutamine.
Molecular consequence: missense variant.
Genome position (GRCh38, 1-based): chr22:20,994,988, C>A. VCF-style: chr22-20994988-C-A. GRCh37 (hg19) VCF-style: chr22-21349277-C-A.
Other names: short protein forms P635Q.
Identifiers: ClinVar variation 1782356 (VCV001782356.8), dbSNP rs148677674, ClinGen allele CA10119102.